The following is an entry in ClinVar:

ClinVar aggregate classification (germline): Pathogenic (1 of 4 stars; one submission).

Conditions:
Nephronophthisis 18 (NPHP18). Identifiers: Orphanet 655, MedGen C3890591, MONDO:0014374, OMIM 615862.

Submission:

Labcorp Genetics (formerly Invitae), Labcorp
Classification: Pathogenic for Nephronophthisis 18. Last evaluated: 2021-09-19. Review status: criteria provided, single submitter. Criteria: Invitae Variant Classification Sherloc (09022015). Collection method: clinical testing. Allele origin: germline.
Comment: For these reasons, this variant has been classified as Pathogenic. This variant has not been reported in the literature in individuals affected with CEP83-related conditions. This variant is not present in population databases (ExAC no frequency). This sequence change creates a premature translational stop signal (p.Arg514Serfs*6) in the CEP83 gene. It is expected to result in an absent or disrupted protein product. Loss-of-function variants in CEP83 are known to be pathogenic (PMID: 23530209, 24882706).

Literature cited by the submitters: PubMed 23530209; PubMed 24882706.

NM_016122.3(CEP83):c.1542_1558del (p.Arg514fs)

Gene: CEP83 (centrosomal protein 83; minus strand). Cytogenetic location: 12q22.
Variant type: Deletion.
Coding change: c.1542_1558del on transcript NM_016122.3 (MANE Select); coding-DNA positions 1542 to 1558, 17 bases deleted (AAGCCAAGCTGAAAAAG).
Protein change: p.Arg514fs; shifts the reading frame from arginine 514.
Molecular consequence: frameshift variant. On other transcripts: non-coding transcript variant (2).
Genome position (GRCh38, 1-based): chr12:94,333,501-94,333,517, CTTTTTCAGCTTGGCTT deleted on the plus strand (AAGCCAAGCTGAAAAAG on the coding strand, the reverse complement: CEP83 is on the minus strand); deleting any 17 consecutive bases within chr12:94,333,501-94,333,519 gives the same sequence; the c. name uses the placement nearest the transcript's 3' end. VCF-style (leftmost placement, unchanged base first): chr12-94333500-GCTTTTTCAGCTTGGCTT-G. GRCh37 (hg19) VCF-style: chr12-94727276-GCTTTTTCAGCTTGGCTT-G.
Other names: c.1542_1558del, p.Arg514fs (NM_001042399.2, NM_001346457.2, NM_001368037.1 and 1 more transcripts); c.1230_1246del, p.Arg410fs (NM_001346458.2, NM_001346459.2, NM_001368039.1 and 1 more transcripts); c.1317_1333del, p.Arg439fs (NM_001368041.1); short protein forms R410fs, R439fs, R514fs.
Identifiers: ClinVar variation 1437595 (VCV001437595.6), dbSNP rs2136514301, ClinGen allele CA2573149086.